The following is an entry in ClinVar:

NM_014679.5(CEP57):c.240T>G (p.Ile80Met)

Gene: CEP57 (centrosomal protein 57; plus strand). Cytogenetic location: 11q21.
Variant type: single nucleotide variant.
Coding change: c.240T>G on transcript NM_014679.5 (MANE Select); coding-DNA position 240, T replaced by G.
Protein change: p.Ile80Met; replaces isoleucine 80 with methionine.
Molecular consequence: missense variant.
Genome position (GRCh38, 1-based): chr11:95,812,969, T>G. VCF-style: chr11-95812969-T-G. GRCh37 (hg19) VCF-style: chr11-95546133-T-G.
Other names: c.213T>G, p.Ile71Met (NM_001243776.2); c.240T>G, p.Ile80Met (NM_001243777.2); c.159T>G, p.Ile53Met (NM_001363604.2); short protein forms I71M, I80M, I53M.
Identifiers: ClinVar variation 4001089 (VCV004001089.2).

ClinVar aggregate classification (germline): Uncertain significance (1 of 4 stars; one submission).

Conditions:
Inborn genetic diseases. Identifiers: MedGen C0950123, MeSH D030342.

Submission:

Ambry Genetics
Classification: Uncertain significance for Inborn genetic diseases. Last evaluated: 2026-05-14. Review status: criteria provided, single submitter. Criteria: Ambry Variant Classification Scheme 2023. Collection method: clinical testing. Allele origin: germline.
Comment: The p.I80M variant (also known as c.240T>G), located in coding exon 3 of the CEP57 gene, results from a T to G substitution at nucleotide position 240. The isoleucine at codon 80 is replaced by methionine, an amino acid with highly similar properties. This amino acid position is conserved. In addition, this alteration is predicted to be deleterious by in silico analysis. Based on the available evidence, the clinical significance of this variant remains unclear.